The following is an entry in ClinVar:

ClinVar aggregate classification (germline): Likely benign (1 of 4 stars; one submission).

Conditions:
THSD1-related disorder. Also called: THSD1-related condition.

gnomAD v4.1: 10,268 of 1,614,158 alleles (0.64%); highest among the groups gnomAD compares: African/African-American, 7%; 234 homozygotes.

Submission:

PreventionGenetics, part of Exact Sciences
Classification: Likely benign for THSD1-related condition. Last evaluated: 2026-02-11. Review status: criteria provided, single submitter. Criteria: ACMG Guidelines, 2015. Collection method: clinical testing. Allele origin: germline.
Comment: This variant is classified as likely benign based on ACMG/AMP sequence variant interpretation guidelines (Richards et al. 2015 PMID: 25741868, with internal and published modifications).

NM_018676.4(THSD1):c.1471G>C (p.Asp491His)

Gene: THSD1 (thrombospondin type 1 domain containing 1; minus strand). Cytogenetic location: 13q14.3.
Variant type: single nucleotide variant.
Coding change: c.1471G>C on transcript NM_018676.4 (MANE Select); coding-DNA position 1471, G replaced by C.
Protein change: p.Asp491His; replaces aspartic acid 491 with histidine.
Molecular consequence: missense variant.
Genome position (GRCh38, 1-based): chr13:52,378,499, C>G on the plus strand (G>C on the coding strand, the complement: THSD1 is on the minus strand). VCF-style: chr13-52378499-C-G. GRCh37 (hg19) VCF-style: chr13-52952634-C-G.
Other names: c.1312G>C, p.Asp438His (NM_199263.3); short protein forms D491H, D438H.
Identifiers: ClinVar variation 4980687 (VCV004980687.1).